The following is an entry in ClinVar:

ClinVar aggregate classification (germline): Uncertain significance (1 of 4 stars; one submission).

Conditions:
Peroxisome biogenesis disorder, complementation group 7 (CG7). Also called: Peroxisome biogenesis disorder, complementation group B. Identifiers: MedGen C1864399.

Submission:

Labcorp Genetics (formerly Invitae), Labcorp
Classification: Uncertain significance for Peroxisome biogenesis disorder, complementation group 7. Last evaluated: 2022-09-22. Review status: criteria provided, single submitter. Criteria: Invitae Variant Classification Sherloc (09022015). Collection method: clinical testing. Allele origin: germline.
Comment: This sequence change replaces glutamic acid, which is acidic and polar, with lysine, which is basic and polar, at codon 50 of the PEX10 protein (p.Glu50Lys). This variant is not present in population databases (gnomAD no frequency). This variant has not been reported in the literature in individuals affected with PEX10-related conditions. Algorithms developed to predict the effect of missense changes on protein structure and function are either unavailable or do not agree on the potential impact of this missense change (SIFT: "Tolerated"; PolyPhen-2: "Probably Damaging"; Align-GVGD: "Class C0"). In summary, the available evidence is currently insufficient to determine the role of this variant in disease. Therefore, it has been classified as a Variant of Uncertain Significance.

NM_002617.4(PEX10):c.148G>A (p.Glu50Lys)

Gene: PEX10 (peroxisomal biogenesis factor 10; minus strand). Cytogenetic location: 1p36.32.
Variant type: single nucleotide variant.
Coding change: c.148G>A on transcript NM_002617.4 (MANE Select); coding-DNA position 148, G replaced by A.
Protein change: p.Glu50Lys; replaces glutamic acid 50 with lysine.
Molecular consequence: missense variant. On other transcripts: 5 prime UTR variant (2), non-coding transcript variant (1).
Genome position (GRCh38, 1-based): chr1:2,410,416, C>T on the plus strand (G>A on the coding strand, the complement: PEX10 is on the minus strand). VCF-style: chr1-2410416-C-T. GRCh37 (hg19) VCF-style: chr1-2341855-C-T.
Other names: c.148G>A, p.Glu50Lys (NM_001374425.1, NM_153818.2); c.-285G>A (NM_001374426.1, NM_001374427.1); short protein forms E50K.
Identifiers: ClinVar variation 2008714 (VCV002008714.1), dbSNP rs2522291914, ClinGen allele CA337989403.